The following is an entry in ClinVar:

NM_000179.3(MSH6):c.1901_1902del (p.Thr633_Leu634insTer)

Gene: MSH6 (mutS homolog 6; plus strand). Cytogenetic location: 2p16.3.
Variant type: Deletion.
Coding change: c.1901_1902del on transcript NM_000179.3 (MANE Select); coding-DNA positions 1901 to 1902, 2 bases deleted (TG; older notation c.1901_1902delTG).
Protein change: p.Thr633_Leu634insTer.
Molecular consequence: nonsense.
Genome position (GRCh38, 1-based): chr2:47,799,884-47,799,885, TG deleted. VCF-style (leftmost placement, unchanged base first): chr2-47799883-TTG-T. GRCh37 (hg19) VCF-style: chr2-48027022-TTG-T.
Other names: c.1511_1512del, p.Thr503_Leu504insTer (NM_001281492.2); c.995_996del, p.Thr331_Leu332insTer (NM_001281493.2, NM_001281494.2); c.1901_1902delTG (NM_000179.2).
Identifiers: ClinVar variation 89232 (VCV000089232.23), dbSNP rs267608082, ClinGen allele CA009420.

ClinVar aggregate classification (germline): Pathogenic. Review status: reviewed by expert panel (3 of 4 stars). 8 submissions from 8 submitters: Pathogenic (1). 7 of the submissions do not count toward it. Last evaluated 2013-09-05.

Conditions:
Hereditary cancer-predisposing syndrome. Also called: Tumor predisposition; Hereditary Cancer Syndrome; Hereditary neoplastic syndrome; Neoplastic Syndromes, Hereditary. Identifiers: Orphanet 140162, MedGen C0027672, MeSH D009386, MONDO:0015356.
Lynch syndrome. Identifiers: Orphanet 144, MedGen C4552100, MONDO:0005835. Disease mechanism: loss of function.
Lynch syndrome 5 (LYNCH5). Also called: Colorectal cancer, hereditary nonpolyposis, type 5; Hereditary non-polyposis colorectal cancer, type 5. Identifiers: Orphanet 144, MedGen C1833477, MONDO:0013710, OMIM 614350. Disease mechanism: loss of function.
Hereditary nonpolyposis colorectal neoplasms. Identifiers: MedGen C0009405, MeSH D003123.
Endometrial carcinoma. Also called: Endometrial carcinoma, somatic. Identifiers: MedGen C0476089, MONDO:0002447, OMIM 608089, HP:0012114.

Submissions (8):

International Society for Gastrointestinal Hereditary Tumours (InSiGHT)
Classification: Pathogenic for Lynch Syndrome. Last evaluated: 2013-09-05. Review status: reviewed by expert panel. Criteria: Guidelines v1.9. Collection method: research. Allele origin: germline.
Comment: Coding sequence variation resulting in a stop codon

Classified with v1.9 guidelines

Labcorp Genetics (formerly Invitae), Labcorp
Classification: Pathogenic for Hereditary nonpolyposis colorectal neoplasms. Last evaluated: 2025-12-22. Review status: criteria provided, single submitter. Criteria: Invitae Variant Classification Sherloc (09022015). Collection method: clinical testing. Allele origin: germline. Not counted in ClinVar's aggregate classification.
Comment: This sequence change creates a premature translational stop signal (p.Leu634*) in the MSH6 gene. It is expected to result in an absent or disrupted protein product. Loss-of-function variants in MSH6 are known to be pathogenic (PMID: 18269114, 24362816). This variant is not present in population databases (gnomAD no frequency). This premature translational stop signal has been observed in individual(s) with endometrial cancer and other Lynch syndrome-associated cancers (PMID: 12732731, 15098177). ClinVar contains an entry for this variant (Variation ID: 89232). For these reasons, this variant has been classified as Pathogenic.

Ambry Genetics
Classification: Pathogenic for Hereditary cancer-predisposing syndrome. Last evaluated: 2024-02-01. Review status: criteria provided, single submitter. Criteria: Ambry Variant Classification Scheme 2023. Collection method: clinical testing. Allele origin: germline. Not counted in ClinVar's aggregate classification.
Comment: The c.1901_1902delTG pathogenic mutation, located in coding exon 4 of the MSH6 gene, results from a deletion of two nucleotides at nucleotide positions 1901 to 1902, causing a translational frameshift with a predicted alternate stop codon (p.L634*). In addition to the clinical data presented in the literature, this alteration is expected to result in loss of function by premature protein truncation or nonsense-mediated mRNA decay. As such, this alteration is interpreted as a disease-causing mutation.

Myriad Genetics, Inc.
Classification: Pathogenic for Lynch syndrome 5. Last evaluated: 2023-08-16. Review status: criteria provided, single submitter. Criteria: Myriad Autosomal Dominant, Autosomal Recessive and X-Linked Classification Criteria (2023). Collection method: clinical testing. Allele origin: unknown. Not counted in ClinVar's aggregate classification.
Comment: This variant is considered pathogenic. This variant creates a termination codon and is predicted to result in premature protein truncation.

Baylor Genetics
Classification: Likely pathogenic for Endometrial carcinoma. Last evaluated: 2023-02-22. Review status: criteria provided, single submitter. Criteria: ACMG Guidelines, 2015. Collection method: clinical testing. Allele origin: unknown. Not counted in ClinVar's aggregate classification.

GeneDx
Classification: Pathogenic. Last evaluated: 2020-11-10. Review status: criteria provided, single submitter. Criteria: GeneDx Variant Classification Process June 2021. Collection method: clinical testing. Allele origin: germline. Affected: yes. Not counted in ClinVar's aggregate classification.
Comment: Nonsense variant predicted to result in protein truncation or nonsense mediated decay in a gene for which loss-of-function is a known mechanism of disease; Not observed in large population cohorts (Lek et al., 2016); Truncating variants in this gene are considered pathogenic by a well-established clinical consortium and/or database; Observed in patients with Lynch-related cancers (Goodfellow 2003); This variant is associated with the following publications: (PMID: 12732731)

Quest Diagnostics Nichols Institute San Juan Capistrano
Classification: Pathogenic. Last evaluated: 2020-01-03. Review status: criteria provided, single submitter. Criteria: Quest Diagnostics criteria. Collection method: clinical testing. Allele origin: unknown. Not counted in ClinVar's aggregate classification.
Comment: The variant creates a premature stop codon, and is therefore predicted to result in the loss of a functional protein. Found in at least one patient with expected phenotype for this gene, and not found in general population data. Segregation with disease in affected individuals from a single family.

Department of Pathology and Laboratory Medicine, Sinai Health System
Classification: Uncertain significance. Review status: no assertion criteria provided. Collection method: clinical testing. Allele origin: unknown. Affected: yes. Observed: 1 variant allele. Study: The Canadian Open Genetics Repository (COGR). Not counted in ClinVar's aggregate classification.

Literature cited by the submitters: PubMed 18269114 (cited by Labcorp Genetics (formerly Invitae), Labcorp); PubMed 24362816 (cited by Labcorp Genetics (formerly Invitae), Labcorp); PubMed 12732731 (cited by 3 submitters); PubMed 15098177 (cited by Labcorp Genetics (formerly Invitae), Labcorp and Quest Diagnostics Nichols Institute San Juan Capistrano).